The following is an entry in ClinVar:

ClinVar aggregate classification (germline): Uncertain significance. Review status: criteria provided, multiple submitters, no conflicts (2 of 4 stars). 2 submissions from 2 submitters: Uncertain significance (2). Last evaluated 2022-06-28.

Conditions:
Charcot-Marie-Tooth disease type 4. Also called: Charcot-Marie-Tooth disease, type IV; Charcot-Marie-Tooth, Type 4. Identifiers: Orphanet 64749, MedGen C4082197, MONDO:0018995.
Inborn genetic diseases. Identifiers: MedGen C0950123, MeSH D030342.

Allele frequency attached by ClinVar (database versions not stated): gnomAD exomes 0.00002; TOPMed 0.00004; ExAC 0.00006.
gnomAD v4.1: 17 of 1,561,292 alleles (0.0011%); highest among the groups gnomAD compares: East Asian, 0.026%; no homozygotes.

Submissions (2):

Ambry Genetics
Classification: Uncertain significance for Inborn genetic diseases. Last evaluated: 2022-06-28. Review status: criteria provided, single submitter. Criteria: Ambry Variant Classification Scheme 2023. Collection method: clinical testing. Allele origin: germline.
Comment: The p.E8K variant (also known as c.22G>A), located in coding exon 1 of the MTMR2 gene, results from a G to A substitution at nucleotide position 22. The glutamic acid at codon 8 is replaced by lysine, an amino acid with similar properties. This amino acid position is conserved. In addition, the in silico prediction for this alteration is inconclusive. Since supporting evidence is limited at this time, the clinical significance of this alteration remains unclear.

Labcorp Genetics (formerly Invitae), Labcorp
Classification: Uncertain significance for Charcot-Marie-Tooth disease type 4. Last evaluated: 2019-04-09. Review status: criteria provided, single submitter. Criteria: Invitae Variant Classification Sherloc (09022015). Collection method: clinical testing. Allele origin: germline.
Comment: This sequence change replaces glutamic acid with lysine at codon 8 of the MTMR2 protein (p.Glu8Lys). The glutamic acid residue is weakly conserved and there is a small physicochemical difference between glutamic acid and lysine. This variant is present in population databases (rs756912172, ExAC 0.1%). This variant has not been reported in the literature in individuals with MTMR2-related conditions. Algorithms developed to predict the effect of missense changes on protein structure and function (SIFT, PolyPhen-2, Align-GVGD) all suggest that this variant is likely to be tolerated, but these predictions have not been confirmed by published functional studies and their clinical significance is uncertain. In summary, the available evidence is currently insufficient to determine the role of this variant in disease. Therefore, it has been classified as a Variant of Uncertain Significance.

NM_016156.6(MTMR2):c.22G>A (p.Glu8Lys)

Gene: MTMR2 (myotubularin related protein 2; minus strand). Cytogenetic location: 11q21.
Variant type: single nucleotide variant.
Coding change: c.22G>A on transcript NM_016156.6 (MANE Select); coding-DNA position 22, G replaced by A.
Protein change: p.Glu8Lys; replaces glutamic acid 8 with lysine.
Molecular consequence: missense variant. On other transcripts: 5 prime UTR variant (3).
Genome position (GRCh38, 1-based): chr11:95,923,933, C>T on the plus strand (G>A on the coding strand, the complement: MTMR2 is on the minus strand). VCF-style: chr11-95923933-C-T. GRCh37 (hg19) VCF-style: chr11-95657097-C-T.
Other names: c.-462G>A (NM_001243571.2); c.-389G>A (NM_201278.3); c.-266G>A (NM_201281.3); short protein forms E8K.
Identifiers: ClinVar variation 951050 (VCV000951050.11), dbSNP rs756912172, ClinGen allele CA6240495.
Genomic context (GRCh38, chr11:95,923,933, plus strand): 5'-ACCTGGACAAGGAGTCCACGCTGGGCGGCCGAGCCGCCGCCGGCTGGGAGCCAAGACTCT[C>T]GCAGCTCGAGCTCTTCTCCATCGCGCGGCAGGGGCAGCACAGGGAAAGGCTGAAGCAGTC-3'
Protein context (NP_057240.3, residues 1-18): MEKSSSC[Glu8Lys]SLGSQPAAAR